The following is an entry in ClinVar:

NM_198525.3(KIF7):c.259A>G (p.Asn87Asp)

Gene: KIF7 (kinesin family member 7; minus strand). Cytogenetic location: 15q26.1.
Variant type: single nucleotide variant.
Coding change: c.259A>G on transcript NM_198525.3 (MANE Select); coding-DNA position 259, A replaced by G.
Protein change: p.Asn87Asp; replaces asparagine 87 with aspartic acid.
Molecular consequence: missense variant.
Genome position (GRCh38, 1-based): chr15:89,652,672, T>C on the plus strand (A>G on the coding strand, the complement: KIF7 is on the minus strand). VCF-style: chr15-89652672-T-C. GRCh37 (hg19) VCF-style: chr15-90195903-T-C.
Other names: short protein forms N87D.
Identifiers: ClinVar variation 886343 (VCV000886343.9), dbSNP rs147947221, ClinGen allele CA7728669.

ClinVar aggregate classification (germline): Uncertain significance. Review status: criteria provided, multiple submitters, no conflicts (2 of 4 stars). 2 submissions from 2 submitters: Uncertain significance (2). Last evaluated 2024-10-26.

Conditions:
Acrocallosal syndrome (ACLS). Also called: HALLUX DUPLICATION, POSTAXIAL POLYDACTYLY, AND ABSENCE OF CORPUS CALLOSUM; Schinzel syndrome 1; Absence of corpus callosum with unusual facial appearance, mental deficiency, duplication of the halluces and polydactyly. Identifiers: Orphanet 36, MedGen C0796147, MONDO:0008708, OMIM 200990.

Allele frequency attached by ClinVar (database versions not stated): TOPMed 0.00002.
gnomAD v4.1: 15 of 1,551,182 alleles (0.00097%); highest among the groups gnomAD compares: Middle Eastern, 0.017%; no homozygotes.

Submissions (2):

Labcorp Genetics (formerly Invitae), Labcorp
Classification: Uncertain significance for Acrocallosal syndrome. Last evaluated: 2024-10-26. Review status: criteria provided, single submitter. Criteria: Invitae Variant Classification Sherloc (09022015). Collection method: clinical testing. Allele origin: germline.
Comment: This sequence change replaces asparagine, which is neutral and polar, with aspartic acid, which is acidic and polar, at codon 87 of the KIF7 protein (p.Asn87Asp). The frequency data for this variant in the population databases is considered unreliable, as metrics indicate poor data quality at this position in the gnomAD database. This missense change has been observed in individual(s) with clinical features of Joubert syndrome (PMID: 30315573). ClinVar contains an entry for this variant (Variation ID: 886343). Invitae Evidence Modeling of protein sequence and biophysical properties (such as structural, functional, and spatial information, amino acid conservation, physicochemical variation, residue mobility, and thermodynamic stability) has been performed for this missense variant. However, the output from this modeling did not meet the statistical confidence thresholds required to predict the impact of this variant on KIF7 protein function. In summary, the available evidence is currently insufficient to determine the role of this variant in disease. Therefore, it has been classified as a Variant of Uncertain Significance.

Illumina Laboratory Services, Illumina
Classification: Uncertain significance for Acrocallosal syndrome. Last evaluated: 2018-01-13. Review status: criteria provided, single submitter. Criteria: ICSL Variant Classification Criteria 13 December 2019. Collection method: clinical testing. Allele origin: germline.

Literature cited by the submitters: PubMed 30315573 (cited by Labcorp Genetics (formerly Invitae), Labcorp).